The following is an entry in ClinVar:

NM_022893.4(BCL11A):c.1735G>A (p.Glu579Lys)

Gene: BCL11A (BCL11 transcription factor A; minus strand). Cytogenetic location: 2p16.1.
Variant type: single nucleotide variant.
Coding change: c.1735G>A on transcript NM_022893.4 (MANE Select); coding-DNA position 1735, G replaced by A.
Protein change: p.Glu579Lys; replaces glutamic acid 579 with lysine.
Molecular consequence: missense variant. On other transcripts: intron variant (1).
Genome position (GRCh38, 1-based): chr2:60,461,177, C>T on the plus strand (G>A on the coding strand, the complement: BCL11A is on the minus strand). VCF-style: chr2-60461177-C-T. GRCh37 (hg19) VCF-style: chr2-60688312-C-T.
Other names: c.1633G>A, p.Glu545Lys (NM_001363864.1, NM_001365609.1); c.1735G>A, p.Glu579Lys (NM_018014.4); c.630+1105G>A (NM_138559.2); short protein forms E545K, E579K.
Identifiers: ClinVar variation 1703361 (VCV001703361.3), dbSNP rs1676247636, ClinGen allele CA347037354.
Genomic context (GRCh38, chr2:60,461,177, plus strand): 5'-CGTCTATGCGGTCCGACTCGCCGGCCACCGAGTCTTCGTCGCAAGTGTCCCTGTGGCCCT[C>T]GGCCTCGGCCAGGTGGCCGCGCTTATGCTTCTCGCCCAGGACCTGGTGGAAGGCCTCGCT-3'
Protein context (NP_075044.2, residues 569-589): KHKRGHLAEA[Glu579Lys]GHRDTCDEDS

ClinVar aggregate classification (germline): Uncertain significance (1 of 4 stars; one submission).

gnomAD v4.1: 1 of 1,612,612 alleles (0.000062%); no homozygotes.

Submission:

GeneDx
Classification: Uncertain significance. Last evaluated: 2023-10-17. Review status: criteria provided, single submitter. Criteria: GeneDx Variant Classification Process June 2021. Collection method: clinical testing. Allele origin: germline.
Comment: Not observed at significant frequency in large population cohorts (gnomAD); In silico analysis supports that this missense variant does not alter protein structure/function; Has not been previously published as pathogenic or benign to our knowledge